The following is an entry in ClinVar:

ClinVar aggregate classification (germline): Pathogenic (1 of 4 stars; one submission).

Conditions:
Combined oxidative phosphorylation defect type 17. Also called: Combined oxidative phosphorylation deficiency 17. Identifiers: Orphanet 369913, MedGen C3809526, MONDO:0014190, OMIM 615440.

Submission:

Labcorp Genetics (formerly Invitae), Labcorp
Classification: Pathogenic for Combined oxidative phosphorylation defect type 17. Last evaluated: 2022-07-22. Review status: criteria provided, single submitter. Criteria: Invitae Variant Classification Sherloc (09022015). Collection method: clinical testing. Allele origin: germline.
Comment: For these reasons, this variant has been classified as Pathogenic. This variant has not been reported in the literature in individuals affected with ELAC2-related conditions. This variant is not present in population databases (gnomAD no frequency). This sequence change creates a premature translational stop signal (p.Gly288Glufs*21) in the ELAC2 gene. It is expected to result in an absent or disrupted protein product. Loss-of-function variants in ELAC2 are known to be pathogenic (PMID: 27769300, 31045291).

Literature cited by the submitters: PubMed 27769300; PubMed 31045291.

NM_018127.7(ELAC2):c.863_866del (p.Gly288fs)

Gene: ELAC2 (elaC ribonuclease Z 2; minus strand). Cytogenetic location: 17p12.
Variant type: Microsatellite.
Coding change: c.863_866del on transcript NM_018127.7 (MANE Select); coding-DNA positions 863 to 866, 4 bases deleted (GAAG; older notation c.863_866delGAAG).
Protein change: p.Gly288fs; shifts the reading frame from glycine 288.
Molecular consequence: frameshift variant.
Genome position (GRCh38, 1-based): chr17:13,005,757-13,005,760, CTTC deleted on the plus strand (GAAG on the coding strand, the reverse complement: ELAC2 is on the minus strand); deleting any 4 consecutive bases within chr17:13,005,757-13,005,764 gives the same sequence; the c. name uses the placement nearest the transcript's 3' end. VCF-style (leftmost placement, unchanged base first): chr17-13005756-TCTTC-T. GRCh37 (hg19) VCF-style: chr17-12909073-TCTTC-T.
Other names: c.743_746del, p.Gly248fs (NM_001165962.2); c.863_866del, p.Gly288fs (NM_173717.2); short protein forms G248fs, G288fs.
Identifiers: ClinVar variation 2177132 (VCV002177132.4), dbSNP rs2508312089, ClinGen allele CA2576178211.